The following is an entry in ClinVar:

ClinVar aggregate classification (germline): Uncertain significance. Review status: criteria provided, multiple submitters, no conflicts (2 of 4 stars). 4 submissions from 4 submitters: Uncertain significance (4). Last evaluated 2024-07-27.

Conditions:
Inborn genetic diseases. Identifiers: MedGen C0950123, MeSH D030342.
Muscular dystrophy-dystroglycanopathy (congenital with brain and eye anomalies), type A1 (MDDGA1). Also called: Muscular dystrophy-dystroglycanopathy (congenital with brain and eye anomalies), type A, 1; WALKER-WARBURG SYNDROME OR MUSCLE-EYE-BRAIN DISEASE, POMT1-RELATED; Hydrocephalus, agyria and retinal dysplasia; Hard +/- E syndrome; Warburg syndrome; Chemke syndrome. Identifiers: Orphanet 588, Orphanet 899, MedGen C4284790, MONDO:0009364, OMIM 236670.
Muscular dystrophy-dystroglycanopathy (congenital with impaired intellectual development), type B, 1. Also called: Muscular dystrophy-dystroglycanopathy (congenital with intellectual disability), type B1; MUSCULAR DYSTROPHY, CONGENITAL, POMT1-RELATED. Identifiers: MedGen C5436962, MONDO:0013159, OMIM 613155.
Autosomal recessive limb-girdle muscular dystrophy type 2K. Also called: MUSCULAR DYSTROPHY-DYSTROGLYCANOPATHY (LIMB-GIRDLE), TYPE C, 1; MUSCULAR DYSTROPHY, LIMB-GIRDLE, TYPE 2K. Identifiers: Orphanet 86812, MedGen C1836373, MONDO:0012248, OMIM 609308.
Walker-Warburg congenital muscular dystrophy. Also called: Muscular dystrophy-dystroglycanopathy, type A; Walker-Warburg syndrome. Identifiers: Orphanet 899, MedGen C0265221, MONDO:0000171.

Allele frequency attached by ClinVar (database versions not stated): ExAC 0.00006; 1000 Genomes Project 0.00020; gnomAD exomes 0.00004 and 0.00002; TOPMed 0.00005; gnomAD 0.00006; 1000 Genomes Project 30x 0.00016; ESP Exome Variant Server 0.00008.
gnomAD v4.1: 34 of 1,614,202 alleles (0.0021%); highest among the groups gnomAD compares: African/African-American, 0.015%; no homozygotes.

Submissions (4):

Ambry Genetics
Classification: Uncertain significance for Inborn genetic diseases. Last evaluated: 2024-07-27. Review status: criteria provided, single submitter. Criteria: Ambry Variant Classification Scheme 2023. Collection method: clinical testing. Allele origin: germline.

Labcorp Genetics (formerly Invitae), Labcorp
Classification: Uncertain significance for Muscular dystrophy-dystroglycanopathy (congenital with impaired intellectual development), type B, 1; Walker-Warburg congenital muscular dystrophy; Autosomal recessive limb-girdle muscular dystrophy type 2K. Last evaluated: 2023-10-03. Review status: criteria provided, single submitter. Criteria: Invitae Variant Classification Sherloc (09022015). Collection method: clinical testing. Allele origin: germline.
Comment: This sequence change replaces alanine, which is neutral and non-polar, with valine, which is neutral and non-polar, at codon 440 of the POMT1 protein (p.Ala440Val). This variant is present in population databases (rs369651101, gnomAD 0.008%). This variant has not been reported in the literature in individuals affected with POMT1-related conditions. ClinVar contains an entry for this variant (Variation ID: 285174). Advanced modeling of protein sequence and biophysical properties (such as structural, functional, and spatial information, amino acid conservation, physicochemical variation, residue mobility, and thermodynamic stability) performed at Invitae indicates that this missense variant is not expected to disrupt POMT1 protein function. In summary, the available evidence is currently insufficient to determine the role of this variant in disease. Therefore, it has been classified as a Variant of Uncertain Significance.

Fulgent Genetics
Classification: Uncertain significance for Muscular dystrophy-dystroglycanopathy (congenital with brain and eye anomalies), type A1; Autosomal recessive limb-girdle muscular dystrophy type 2K; Muscular dystrophy-dystroglycanopathy (congenital with impaired intellectual development), type B, 1. Last evaluated: 2018-10-31. Review status: criteria provided, single submitter. Criteria: ACMG Guidelines, 2015. Collection method: clinical testing. Allele origin: unknown.

Eurofins Ntd Llc (ga)
Classification: Uncertain significance. Last evaluated: 2015-12-21. Review status: criteria provided, single submitter. Criteria: EGL Classification Definitions 2015. Collection method: clinical testing. Allele origin: germline. Observed: 2 variant alleles, 2 heterozygotes.

NM_001077365.2(POMT1):c.1253C>T (p.Ala418Val)

Gene: POMT1 (protein O-mannosyltransferase 1; plus strand). Cytogenetic location: 9q34.13.
Variant type: single nucleotide variant.
Coding change: c.1253C>T on transcript NM_001077365.2 (MANE Select); coding-DNA position 1253, C replaced by T.
Protein change: p.Ala418Val; replaces alanine 418 with valine.
Molecular consequence: missense variant. On other transcripts: non-coding transcript variant (10).
Genome position (GRCh38, 1-based): chr9:131,515,503, C>T. VCF-style: chr9-131515503-C-T. GRCh37 (hg19) VCF-style: chr9-134390890-C-T.
Other names: c.1091C>T, p.Ala364Val (NM_001077366.2, NM_001353194.2); c.1253C>T, p.Ala418Val (NM_001136113.2, NM_001374690.1); c.902C>T, p.Ala301Val (NM_001136114.2, NM_001353195.2, NM_001374691.1 and 2 more transcripts); c.1319C>T, p.Ala440Val (NM_001353193.2, NM_007171.4); c.1163C>T, p.Ala388Val (NM_001353196.2); c.1157C>T, p.Ala386Val (NM_001353197.2, NM_001353198.2); c.968C>T, p.Ala323Val (NM_001353199.2); c.797C>T, p.Ala266Val (NM_001353200.2); and 2 more; short protein forms A440V, A266V, A323V, A388V, A301V, A364V, A386V, A418V.
Identifiers: ClinVar variation 285174 (VCV000285174.14), dbSNP rs369651101, ClinGen allele CA5293593.